The following is an entry in ClinVar:

ClinVar aggregate classification (germline): Likely pathogenic (1 of 4 stars; one submission).

Conditions:
X-linked Alport syndrome (ATS1). Also called: NEPHROPATHY AND DEAFNESS, X-LINKED; COL4A5-Related Nephropathy. Identifiers: Orphanet 63, Orphanet 88917, MedGen C4746986, MONDO:0010520, OMIM 301050.

Submission:

Neuberg Centre For Genomic Medicine, NCGM
Classification: Likely pathogenic for X-linked Alport syndrome. Last evaluated: 2023-02-14. Review status: criteria provided, single submitter. Criteria: ACMG Guidelines, 2015. Collection method: clinical testing. Allele origin: germline. Inheritance: X-linked recessive inheritance. Affected: yes.
Comment: The invariant splice acceptor c.2396-1G>A variant in COL4A5 gene has been reported previously in hemizygous state in an individual affected Alport syndrome (Beicht et al. 2013). The c.2396-1G>A variant is novel (not in any individuals) in both gnomAD Exomes and 1000 Genomes databases. This variant has not been reported to the ClinVar database. Loss of function variants have been previously reported to be disease causing. For these reasons, this variant has been classified as Likely Pathogenic.

NM_033380.3(COL4A5):c.2396-1G>A

Gene: COL4A5 (collagen type IV alpha 5 chain; plus strand). Cytogenetic location: Xq22.3.
Variant type: single nucleotide variant.
Coding change: c.2396-1G>A on transcript NM_033380.3 (MANE Select); the canonical splice acceptor site of the intron before coding-DNA position 2396, G replaced by A.
Molecular consequence: splice acceptor variant.
Genome position (GRCh38, 1-based): chrX:108,614,910, G>A. VCF-style: chrX-108614910-G-A. GRCh37 (hg19) VCF-style: chrX-107858140-G-A.
Other names: c.2396-1G>A (NM_000495.5).
Identifiers: ClinVar variation 2671633 (VCV002671633.1), dbSNP rs886041509, ClinGen allele CA413849708.